The following is an entry in ClinVar:

NM_152305.3(POGLUT1):c.922T>C (p.Trp308Arg)

Gene: POGLUT1 (protein O-glucosyltransferase 1; plus strand). Cytogenetic location: 3q13.33.
Variant type: single nucleotide variant.
Coding change: c.922T>C on transcript NM_152305.3 (MANE Select); coding-DNA position 922, T replaced by C.
Protein change: p.Trp308Arg; replaces tryptophan 308 with arginine.
Molecular consequence: missense variant. On other transcripts: non-coding transcript variant (1).
Genome position (GRCh38, 1-based): chr3:119,490,675, T>C. VCF-style: chr3-119490675-T-C. GRCh37 (hg19) VCF-style: chr3-119209522-T-C.
Other names: c.922T>C (NM_152305.2); short protein forms W308R.
Identifiers: ClinVar variation 1298933 (VCV001298933.39), dbSNP rs763045710, ClinGen allele CA2555008.

ClinVar aggregate classification (germline): Conflicting classifications of pathogenicity. Review status: criteria provided, conflicting classifications (1 of 4 stars). 3 submissions from 3 submitters: Likely pathogenic (1); Uncertain significance (2). Last evaluated 2026-01-06.

Conditions:
Inborn genetic diseases. Identifiers: MedGen C0950123, MeSH D030342.

Allele frequency attached by ClinVar (database versions not stated): TOPMed below 0.00001; ExAC 0.00001; gnomAD 0.00001; gnomAD exomes 0.00001 and 0.00005.
gnomAD v4.1: 72 of 1,614,030 alleles (0.0045%); highest among the groups gnomAD compares: Non-Finnish European, 0.0056%; no homozygotes.

Submissions (3):

Labcorp Genetics (formerly Invitae), Labcorp
Classification: Uncertain significance. Last evaluated: 2026-01-06. Review status: criteria provided, single submitter. Criteria: Invitae Variant Classification Sherloc (09022015). Collection method: clinical testing. Allele origin: germline.
Comment: This sequence change replaces tryptophan, which is neutral and slightly polar, with arginine, which is basic and polar, at codon 308 of the POGLUT1 protein (p.Trp308Arg). This variant is present in population databases (rs763045710, gnomAD 0.002%). This variant has not been reported in the literature in individuals affected with POGLUT1-related conditions. ClinVar contains an entry for this variant (Variation ID: 1298933). Invitae Evidence Modeling of protein sequence and biophysical properties (such as structural, functional, and spatial information, amino acid conservation, physicochemical variation, residue mobility, and thermodynamic stability) indicates that this missense variant is expected to disrupt POGLUT1 protein function with a positive predictive value of 80%. In summary, the available evidence is currently insufficient to determine the role of this variant in disease. Therefore, it has been classified as a Variant of Uncertain Significance.

Ambry Genetics
Classification: Uncertain significance for Inborn genetic diseases. Last evaluated: 2023-12-27. Review status: criteria provided, single submitter. Criteria: Ambry Variant Classification Scheme 2023. Collection method: clinical testing. Allele origin: germline.

CeGaT Center for Human Genetics Tuebingen
Classification: Likely pathogenic. Last evaluated: 2021-07-01. Review status: criteria provided, single submitter. Criteria: CeGaT Center For Human Genetics Tuebingen Variant Classification Criteria Version 2. Collection method: clinical testing. Allele origin: germline. Affected: yes. Observed: 1 variant allele.